The following is an entry in ClinVar:

NM_002907.4(RECQL):c.485A>T (p.Asn162Ile)

Gene: RECQL (RecQ like helicase; minus strand). Cytogenetic location: 12p12.1.
Variant type: single nucleotide variant.
Coding change: c.485A>T on transcript NM_002907.4 (MANE Select); coding-DNA position 485, A replaced by T.
Protein change: p.Asn162Ile; replaces asparagine 162 with isoleucine.
Molecular consequence: missense variant.
Genome position (GRCh38, 1-based): chr12:21,486,495, T>A on the plus strand (A>T on the coding strand, the complement: RECQL is on the minus strand). VCF-style: chr12-21486495-T-A. GRCh37 (hg19) VCF-style: chr12-21639429-T-A.
Other names: c.485A>T (NM_002907.3); c.485A>T, p.Asn162Ile (NM_032941.3); short protein forms N162I.
Identifiers: ClinVar variation 2819385 (VCV002819385.4), dbSNP rs1943298909, ClinGen allele CA384129887.

ClinVar aggregate classification (germline): Uncertain significance. Review status: criteria provided, multiple submitters, no conflicts (2 of 4 stars). 2 submissions from 2 submitters: Uncertain significance (2). Last evaluated 2025-05-31.

Allele frequency attached by ClinVar (database versions not stated): TOPMed below 0.00001.

Submissions (2):

Ambry Genetics
Classification: Uncertain significance. Last evaluated: 2025-05-31. Review status: criteria provided, single submitter. Criteria: Ambry Variant Classification Scheme 2023. Collection method: clinical testing. Allele origin: germline.
Comment: The p.N162I variant (also known as c.485A>T), located in coding exon 4 of the RECQL gene, results from an A to T substitution at nucleotide position 485. The asparagine at codon 162 is replaced by isoleucine, an amino acid with dissimilar properties. This amino acid position is conserved. In addition, the in silico prediction for this alteration is inconclusive. Based on the available evidence, the clinical significance of this variant remains unclear.

Labcorp Genetics (formerly Invitae), Labcorp
Classification: Uncertain significance. Last evaluated: 2023-08-23. Review status: criteria provided, single submitter. Criteria: Invitae Variant Classification Sherloc (09022015). Collection method: clinical testing. Allele origin: germline.
Comment: This sequence change replaces asparagine, which is neutral and polar, with isoleucine, which is neutral and non-polar, at codon 162 of the RECQL protein (p.Asn162Ile). In summary, the available evidence is currently insufficient to determine the role of this variant in disease. Therefore, it has been classified as a Variant of Uncertain Significance. Advanced modeling of protein sequence and biophysical properties (such as structural, functional, and spatial information, amino acid conservation, physicochemical variation, residue mobility, and thermodynamic stability) performed at Invitae indicates that this missense variant is not expected to disrupt RECQL protein function. This variant has not been reported in the literature in individuals affected with RECQL-related conditions. This variant is not present in population databases (gnomAD no frequency).